The following is an entry in ClinVar:

ClinVar aggregate classification (germline): Uncertain significance (1 of 4 stars; one submission).

Submission:

Labcorp Genetics (formerly Invitae), Labcorp
Classification: Uncertain significance. Last evaluated: 2022-05-09. Review status: criteria provided, single submitter. Criteria: Invitae Variant Classification Sherloc (09022015). Collection method: clinical testing. Allele origin: germline.
Comment: In summary, the available evidence is currently insufficient to determine the role of this variant in disease. Therefore, it has been classified as a Variant of Uncertain Significance. Algorithms developed to predict the effect of missense changes on protein structure and function are either unavailable or do not agree on the potential impact of this missense change (SIFT: "Not Available"; PolyPhen-2: "Benign"; Align-GVGD: "Not Available"). This variant has not been reported in the literature in individuals affected with CDH3-related conditions. This variant is not present in population databases (gnomAD no frequency). This sequence change replaces lysine, which is basic and polar, with glutamic acid, which is acidic and polar, at codon 212 of the CDH3 protein (p.Lys212Glu).

NM_001793.6(CDH3):c.634A>G (p.Lys212Glu)

Gene: CDH3 (cadherin 3; plus strand). Cytogenetic location: 16q22.1.
Variant type: single nucleotide variant.
Coding change: c.634A>G on transcript NM_001793.6 (MANE Select); coding-DNA position 634, A replaced by G.
Protein change: p.Lys212Glu; replaces lysine 212 with glutamic acid.
Molecular consequence: missense variant.
Genome position (GRCh38, 1-based): chr16:68,678,849, A>G. VCF-style: chr16-68678849-A-G. GRCh37 (hg19) VCF-style: chr16-68712752-A-G.
Other names: c.634A>G, p.Lys212Glu (NM_001317195.3); c.469A>G, p.Lys157Glu (NM_001317196.2); short protein forms K212E, K157E.
Identifiers: ClinVar variation 2135961 (VCV002135961.4), dbSNP rs2543730359, ClinGen allele CA396449620.
Genomic context (GRCh38, chr16:68,678,849, plus strand): 5'-GGTGCCTCAGTGGAGGACCCCATGAACATCTCCATCATCGTGACCGACCAGAATGACCAC[A>G]AGCCCAAGTTTACCCAGGACACCTTCCGAGGGAGTGTCTTAGAGGGAGTCCTACCAGGTA-3'
Protein context (NP_001784.2, residues 202-222): SIIVTDQNDH[Lys212Glu]PKFTQDTFRG